The following is an entry in ClinVar:

NM_006567.5(FARS2):c.1087G>A (p.Val363Met)

Gene: FARS2 (phenylalanyl-tRNA synthetase 2, mitochondrial; plus strand). Cytogenetic location: 6p25.1.
Variant type: single nucleotide variant.
Coding change: c.1087G>A on transcript NM_006567.5 (MANE Select); coding-DNA position 1087, G replaced by A.
Protein change: p.Val363Met; replaces valine 363 with methionine.
Molecular consequence: missense variant.
Genome position (GRCh38, 1-based): chr6:5,613,190, G>A. VCF-style: chr6-5613190-G-A. GRCh37 (hg19) VCF-style: chr6-5613423-G-A.
Other names: c.1087G>A, p.Val363Met (NM_001318872.2, NM_001374875.1, NM_001374876.1 and 4 more transcripts); c.955G>A, p.Val319Met (NM_001375258.1); c.391G>A, p.Val131Met (NM_001375259.1, NM_001375260.1); short protein forms V363M, V131M, V319M.
Identifiers: ClinVar variation 3672495 (VCV003672495.2).

ClinVar aggregate classification (germline): Uncertain significance (1 of 4 stars; one submission).

Conditions:
Combined oxidative phosphorylation defect type 14. Also called: Combined oxidative phosphorylation deficiency 14. Identifiers: Orphanet 319519, MedGen C4755312, MONDO:0013986, OMIM 614946.

gnomAD v4.1: 2 of 1,612,984 alleles (0.00012%); highest among the groups gnomAD compares: Non-Finnish European, 0.000085%; no homozygotes.

Submission:

Labcorp Genetics (formerly Invitae), Labcorp
Classification: Uncertain significance for Combined oxidative phosphorylation defect type 14. Last evaluated: 2024-08-05. Review status: criteria provided, single submitter. Criteria: Invitae Variant Classification Sherloc (09022015). Collection method: clinical testing. Allele origin: germline.
Comment: This sequence change replaces valine, which is neutral and non-polar, with methionine, which is neutral and non-polar, at codon 363 of the FARS2 protein (p.Val363Met). This variant is not present in population databases (gnomAD no frequency). This variant has not been reported in the literature in individuals affected with FARS2-related conditions. An algorithm developed to predict the effect of missense changes on protein structure and function outputs the following: PolyPhen-2: "Benign". The methionine amino acid residue is found in multiple mammalian species, which suggests that this missense change does not adversely affect protein function. In summary, the available evidence is currently insufficient to determine the role of this variant in disease. Therefore, it has been classified as a Variant of Uncertain Significance.